The following is an entry in ClinVar:

NM_001371727.1(GABRB2):c.899C>T (p.Pro300Leu)

Gene: GABRB2 (gamma-aminobutyric acid type A receptor subunit beta2; minus strand). Cytogenetic location: 5q34.
Variant type: single nucleotide variant.
Coding change: c.899C>T on transcript NM_001371727.1 (MANE Select); coding-DNA position 899, C replaced by T.
Protein change: p.Pro300Leu; replaces proline 300 with leucine.
Molecular consequence: missense variant.
Genome position (GRCh38, 1-based): chr5:161,331,061, G>A on the plus strand (C>T on the coding strand, the complement: GABRB2 is on the minus strand). VCF-style: chr5-161331061-G-A. GRCh37 (hg19) VCF-style: chr5-160758068-G-A.
Other names: c.899C>T, p.Pro300Leu (NM_000813.3, NM_021911.3); short protein forms P300L.
Identifiers: ClinVar variation 451524 (VCV000451524.3), dbSNP rs1554093889, ClinGen allele CA362175383.

ClinVar aggregate classification (germline): Pathogenic (1 of 4 stars; one submission).

Submission:

GeneDx
Classification: Pathogenic. Last evaluated: 2024-07-29. Review status: criteria provided, single submitter. Criteria: GeneDx Variant Classification Process June 2021. Collection method: clinical testing. Allele origin: germline. Affected: yes.
Comment: Published functional studies demonstrate a significant decrease in both maximal current amplitude and GABA sensitivity associated with the p.(P300L) variant (PMID: 38996765); Not observed at significant frequency in large population cohorts (gnomAD); In silico analysis supports that this missense variant has a deleterious effect on protein structure/function; This variant is associated with the following publications: (PMID: 33325057, 35982159, 33057194, 38996765)